The following is an entry in ClinVar:

NM_000642.3(AGL):c.1972A>G (p.Arg658Gly)

Gene: AGL (amylo-alpha-1,6-glucosidase and 4-alpha-glucanotransferase; plus strand). Cytogenetic location: 1p21.2.
Variant type: single nucleotide variant.
Coding change: c.1972A>G on transcript NM_000642.3 (MANE Select); coding-DNA position 1972, A replaced by G.
Protein change: p.Arg658Gly; replaces arginine 658 with glycine.
Molecular consequence: missense variant.
Genome position (GRCh38, 1-based): chr1:99,881,148, A>G. VCF-style: chr1-99881148-A-G. GRCh37 (hg19) VCF-style: chr1-100346704-A-G.
Other names: c.1972A>G, p.Arg658Gly (NM_000644.3, NM_001425325.1, NM_001425326.1 and 2 more transcripts); c.1924A>G, p.Arg642Gly (NM_000646.3); c.1771A>G, p.Arg591Gly (NM_001425327.1); c.1768A>G, p.Arg590Gly (NM_001425328.1, NM_001425329.1); c.1594A>G, p.Arg532Gly (NM_001425332.1); short protein forms R642G, R658G, R532G, R590G, R591G.
Identifiers: ClinVar variation 1026698 (VCV001026698.9), dbSNP rs1173312923, ClinGen allele CA341318201.
Genomic context (GRCh38, chr1:99,881,148, plus strand): 5'-TATGATGCTCTTCCAAGTACTACAATTGTTTCTATGGCATGTTGTGCTAGTGGAAGTACA[A>G]GAGGCTATGATGAATTAGTGCCTCATCAGGTTTGTTTATATGTTGTTTCTTAAAACCTAC-3'
Protein context (NP_000633.2, residues 648-668): SMACCASGST[Arg658Gly]GYDELVPHQI

ClinVar aggregate classification (germline): Uncertain significance (1 of 4 stars; one submission).

Conditions:
Glycogen storage disease type III (GSD3). Also called: Cori disease; FORBES DISEASE. Identifiers: Orphanet 366, MedGen C0017922, MONDO:0009291, OMIM 232400.

Submission:

Labcorp Genetics (formerly Invitae), Labcorp
Classification: Uncertain significance for Glycogen storage disease type III. Last evaluated: 2022-08-10. Review status: criteria provided, single submitter. Criteria: Invitae Variant Classification Sherloc (09022015). Collection method: clinical testing. Allele origin: germline.
Comment: In summary, the available evidence is currently insufficient to determine the role of this variant in disease. Therefore, it has been classified as a Variant of Uncertain Significance. Algorithms developed to predict the effect of missense changes on protein structure and function are either unavailable or do not agree on the potential impact of this missense change (SIFT: "Deleterious"; PolyPhen-2: "Possibly Damaging"; Align-GVGD: "Class C0"). ClinVar contains an entry for this variant (Variation ID: 1026698). This variant has not been reported in the literature in individuals affected with AGL-related conditions. This variant is not present in population databases (gnomAD no frequency). This sequence change replaces arginine, which is basic and polar, with glycine, which is neutral and non-polar, at codon 658 of the AGL protein (p.Arg658Gly).